The following is an entry in ClinVar:

NM_033118.4(MYLK2):c.1265T>C (p.Val422Ala)

Gene: MYLK2 (myosin light chain kinase 2; plus strand). Cytogenetic location: 20q11.21.
Variant type: single nucleotide variant.
Coding change: c.1265T>C on transcript NM_033118.4 (MANE Select); coding-DNA position 1265, T replaced by C.
Protein change: p.Val422Ala; replaces valine 422 with alanine.
Molecular consequence: missense variant.
Genome position (GRCh38, 1-based): chr20:31,830,859, T>C. VCF-style: chr20-31830859-T-C. GRCh37 (hg19) VCF-style: chr20-30418662-T-C.
Other names: short protein forms V422A.
Identifiers: ClinVar variation 241741 (VCV000241741.11), dbSNP rs878855173, ClinGen allele CA10583872.

ClinVar aggregate classification (germline): Uncertain significance. Review status: criteria provided, multiple submitters, no conflicts (2 of 4 stars). 2 submissions from 2 submitters: Uncertain significance (2). Last evaluated 2019-08-02.

Conditions:
Hypertrophic cardiomyopathy 1 (CMH1). Also called: Familial hypertrophic cardiomyopathy 1; MYH7-Related Familial Hypertrophic Cardiomyopathy. Identifiers: MedGen C3495498, MONDO:0008647, OMIM 192600.

Allele frequency attached by ClinVar (database versions not stated): gnomAD exomes below 0.00001; gnomAD 0.00001 and 0.00002.

Submissions (2):

GeneDx
Classification: Uncertain significance. Last evaluated: 2019-08-02. Review status: criteria provided, single submitter. Criteria: GeneDx Variant Classification Process June 2021. Collection method: clinical testing. Allele origin: germline. Affected: yes.
Comment: Has not been previously published as pathogenic or benign to our knowledge; Reported in ClinVar as a variant of uncertain significance but additional evidence is not available (ClinVar Variant ID# 241741; Landrum et al., 2016); Not observed at a significant frequency in large population cohorts (Lek et al., 2016); In silico analysis, which includes protein predictors and evolutionary conservation, supports a deleterious effect

Labcorp Genetics (formerly Invitae), Labcorp
Classification: Uncertain significance for Hypertrophic cardiomyopathy 1. Last evaluated: 2016-02-10. Review status: criteria provided, single submitter. Criteria: Invitae Variant Classification Sherloc (09022015). Collection method: clinical testing. Allele origin: germline.
Comment: This sequence change replaces valine with alanine at codon 422 of the MYLK2 protein (p.Val422Ala). The valine residue is highly conserved and there is a small physicochemical difference between valine and alanine. In summary, this is a novel missense change with uncertain impact on protein function. It has been classified as a Variant of Uncertain Significance. Algorithms developed to predict the effect of missense changes on protein structure and function (SIFT, PolyPhen-2, Align-GVGD) all suggest that this variant is likely to be disruptive, but these predictions have not been confirmed by published functional studies. This variant is not present in population databases (ExAC no frequency) and has not been reported in the literature in individuals with a MYLK2-related disease.